The following is an entry in ClinVar:

NM_006767.4(LZTR1):c.994-5T>C

Gene: LZTR1 (leucine zipper like post translational regulator 1; plus strand). Cytogenetic location: 22q11.21.
Variant type: single nucleotide variant.
Coding change: c.994-5T>C on transcript NM_006767.4 (MANE Select); 5 bases into the intron before coding-DNA position 994, T replaced by C.
Molecular consequence: intron variant.
Genome position (GRCh38, 1-based): chr22:20,992,209, T>C. VCF-style: chr22-20992209-T-C. GRCh37 (hg19) VCF-style: chr22-21346498-T-C.
Identifiers: ClinVar variation 5023788 (VCV005023788.1).
Genomic context (GRCh38, chr22:20,992,209, plus strand): 5'-GGGTCTCTGGGCACCTACCTGGCCCTTGCCAACTGGTCTCATGCCCATGTGTCTCCCCTC[T>C]TCAGGTTGGTGGGGCTGAAGTGCCCGAGCGAGCCTGTGCTTCCGAGGAGGTGCCCACCCT-3'

ClinVar aggregate classification (germline): Uncertain significance (1 of 4 stars; one submission).

Conditions:
Cardiovascular phenotype. Identifiers: MedGen CN230736.
Hereditary cancer-predisposing syndrome. Also called: Neoplastic Syndromes, Hereditary; Tumor predisposition; Hereditary neoplastic syndrome; Hereditary Cancer Syndrome. Identifiers: Orphanet 140162, MedGen C0027672, MeSH D009386, MONDO:0015356.

Submission:

Ambry Genetics
Classification: Uncertain significance for Cardiovascular phenotype; Hereditary cancer-predisposing syndrome. Last evaluated: 2026-08-11. Review status: criteria provided, single submitter. Criteria: Ambry Variant Classification Scheme 2023. Collection method: clinical testing. Allele origin: germline.
Comment: The c.994-5T>C intronic variant results from a T to C substitution 5 nucleotides upstream from coding exon 10 in the LZTR1 gene. This nucleotide position is poorly conserved in available vertebrate species. In silico splice site analysis predicts that this alteration will not have any significant effect on splicing. Based on the available evidence, the clinical significance of this variant remains unclear.